The following is an entry in ClinVar:

NM_001378454.1(ALMS1):c.9050del (p.Asn3017fs)

Gene: ALMS1 (ALMS1 centrosome and basal body associated protein; plus strand). Cytogenetic location: 2p13.1.
Variant type: Deletion.
Coding change: c.9050del on transcript NM_001378454.1 (MANE Select); coding-DNA position 9050, one base deleted (A; older notation c.9050delA).
Protein change: p.Asn3017fs; shifts the reading frame from asparagine 3017.
Molecular consequence: frameshift variant.
Genome position (GRCh38, 1-based): chr2:73,491,009, A deleted; the last of 2 consecutive A bases (chr2:73,491,008-73,491,009); deleting either gives the same sequence. VCF-style (leftmost placement, unchanged base first): chr2-73491007-CA-C. GRCh37 (hg19) VCF-style: chr2-73718134-CA-C.
Other names: c.9053del, p.Asn3018fs (NM_015120.4); short protein forms N3017fs, N3018fs.
Identifiers: ClinVar variation 3600282 (VCV003600282.2).

ClinVar aggregate classification (germline): Pathogenic (1 of 4 stars; one submission).

Conditions:
Alstrom syndrome (ALMS). Identifiers: Orphanet 64, MedGen C0268425, MONDO:0008763, OMIM 203800.

Submission:

Laboratory of Medical Genetics (UMR_S 1112), INSERM/Strasbourg University
Classification: Pathogenic for Alstrom syndrome. Last evaluated: 2025-01-17. Review status: criteria provided, single submitter. Criteria: ACMG Guidelines, 2015. Collection method: clinical testing. Allele origin: germline. Affected: yes. Observed: 1 variant allele.
Comment: Variant is absent from control populations (gnomAD v3, 1000G) and has never been reported in patients with a similar phenotype. The variant is a frameshifting indel, c.9053del, p.(Asn3018Ilefs*14), in the exon 10 of the ALMS1 gene (NM_015120.4) at the homozygous state. Like all variant in ALMS1 it is a truncating variant. This variant is classified as pathogenic (class 5) according to the ACMG recommendation.